The following is an entry in ClinVar:

NM_001371727.1(GABRB2):c.1108A>G (p.Thr370Ala)

Gene: GABRB2 (gamma-aminobutyric acid type A receptor subunit beta2; minus strand). Cytogenetic location: 5q34.
Variant type: single nucleotide variant.
Coding change: c.1108A>G on transcript NM_001371727.1 (MANE Select); coding-DNA position 1108, A replaced by G.
Protein change: p.Thr370Ala; replaces threonine 370 with alanine.
Molecular consequence: missense variant. On other transcripts: intron variant (1).
Genome position (GRCh38, 1-based): chr5:161,326,451, T>C on the plus strand (A>G on the coding strand, the complement: GABRB2 is on the minus strand). VCF-style: chr5-161326451-T-C. GRCh37 (hg19) VCF-style: chr5-160753458-T-C.
Other names: c.1108A>G, p.Thr370Ala (NM_021911.3); c.1077+4432A>G (NM_000813.3); short protein forms T370A.
Identifiers: ClinVar variation 863539 (VCV000863539.10), dbSNP rs143130991, ClinGen allele CA3543406.

ClinVar aggregate classification (germline): Uncertain significance (1 of 4 stars; one submission).

Conditions:
Intellectual disability. Also called: Intellectual developmental disorder; Intellectual functioning disability; intellectual disabilities. Identifiers: MedGen C3714756, MeSH D008607, MONDO:0001071, HP:0001249.

Allele frequency attached by ClinVar (database versions not stated): ExAC 0.00001; gnomAD exomes below 0.00001; ESP Exome Variant Server 0.00008.

Submission:

Labcorp Genetics (formerly Invitae), Labcorp
Classification: Uncertain significance for Intellectual disability. Last evaluated: 2020-03-06. Review status: criteria provided, single submitter. Criteria: Invitae Variant Classification Sherloc (09022015). Collection method: clinical testing. Allele origin: germline.
Comment: This variant has not been reported in the literature in individuals with GABRB2-related disease. In summary, the available evidence is currently insufficient to determine the role of this variant in disease. Therefore, it has been classified as a Variant of Uncertain Significance. Algorithms developed to predict the effect of missense changes on protein structure and function (SIFT, PolyPhen-2, Align-GVGD) all suggest that this variant is likely to be tolerated, but these predictions have not been confirmed by published functional studies and their clinical significance is uncertain. This variant is present in population databases (rs143130991, ExAC 0.01%). This sequence change replaces threonine with alanine at codon 370 of the GABRB2 protein (p.Thr370Ala). The threonine residue is weakly conserved and there is a small physicochemical difference between threonine and alanine.